The following is an entry in ClinVar:

NM_001355197.2(ZNF66):c.714T>C (p.Phe238=)

Gene: ZNF66 (zinc finger protein 66; plus strand). Cytogenetic location: 19p12.
Variant type: single nucleotide variant.
Coding change: c.714T>C on transcript NM_001355197.2 (MANE Select); coding-DNA position 714, T replaced by C.
Protein change: p.Phe238=; no amino-acid change (phenylalanine 238 retained).
Molecular consequence: synonymous variant.
Genome position (GRCh38, 1-based): chr19:20,806,314, T>C. VCF-style: chr19-20806314-T-C. GRCh37 (hg19) VCF-style: chr19-20989120-T-C.
Identifiers: ClinVar variation 4873041 (VCV004873041.2).
Genomic context (GRCh38, chr19:20,806,314, plus strand): 5'-ACATAAGATAATTCATACTGGAGAGAAACGGTACAAATGTGAAGACTGTGGCAAAGCCTT[T>C]AACCGCTCCTCTAACCTTACTACACATAAGAAAATTCATACTGGAGAGAAACCCTACAAA-3'
Protein context (NP_001342126.2, residues 228-248): RYKCEDCGKA[Phe238=]NRSSNLTTHK

ClinVar aggregate classification (germline): Likely benign (1 of 4 stars; one submission).

Submission:

CeGaT Center for Human Genetics Tuebingen
Classification: Likely benign. Last evaluated: 2026-05-01. Review status: criteria provided, single submitter. Criteria: CeGaT Center For Human Genetics Tuebingen Variant Classification Criteria Version 2. Collection method: clinical testing. Allele origin: germline. Affected: yes. Observed: 1 variant allele.
Comment: ZNF66: BP4, BP7